The following is an entry in ClinVar:

ClinVar aggregate classification (germline): Uncertain significance (1 of 4 stars; one submission).

Submission:

Labcorp Genetics (formerly Invitae), Labcorp
Classification: Uncertain significance. Last evaluated: 2025-03-24. Review status: criteria provided, single submitter. Criteria: Invitae Variant Classification Sherloc (09022015). Collection method: clinical testing. Allele origin: germline.
Comment: This sequence change replaces alanine, which is neutral and non-polar, with valine, which is neutral and non-polar, at codon 1260 of the COL11A1 protein (p.Ala1260Val). This variant is not present in population databases (gnomAD no frequency). This variant has not been reported in the literature in individuals affected with COL11A1-related conditions. ClinVar contains an entry for this variant (Variation ID: 1400045). Invitae Evidence Modeling of protein sequence and biophysical properties (such as structural, functional, and spatial information, amino acid conservation, physicochemical variation, residue mobility, and thermodynamic stability) indicates that this missense variant is not expected to disrupt COL11A1 protein function with a negative predictive value of 80%. In summary, the available evidence is currently insufficient to determine the role of this variant in disease. Therefore, it has been classified as a Variant of Uncertain Significance.

NM_001854.4(COL11A1):c.3779C>T (p.Ala1260Val)

Gene: COL11A1 (collagen type XI alpha 1 chain; minus strand). Cytogenetic location: 1p21.1.
Variant type: single nucleotide variant.
Coding change: c.3779C>T on transcript NM_001854.4 (MANE Select); coding-DNA position 3779, C replaced by T.
Protein change: p.Ala1260Val; replaces alanine 1260 with valine.
Molecular consequence: missense variant. On other transcripts: non-coding transcript variant (1).
Genome position (GRCh38, 1-based): chr1:102,915,668, G>A on the plus strand (C>T on the coding strand, the complement: COL11A1 is on the minus strand). VCF-style: chr1-102915668-G-A. GRCh37 (hg19) VCF-style: chr1-103381224-G-A.
Other names: c.3662C>T, p.Ala1221Val (NM_001190709.2); c.3815C>T, p.Ala1272Val (NM_080629.3); c.3431C>T, p.Ala1144Val (NM_080630.4); short protein forms A1221V, A1260V, A1272V, A1144V.
Identifiers: ClinVar variation 1400045 (VCV001400045.8), dbSNP rs750838060, ClinGen allele CA341162252.